The following is an entry in ClinVar:

NM_000051.4(ATM):c.1802+1G>A

Gene: ATM (ATM serine/threonine kinase; plus strand). Cytogenetic location: 11q22.3.
Variant type: single nucleotide variant.
Coding change: c.1802+1G>A on transcript NM_000051.4 (MANE Select); the canonical splice donor site of the intron after coding-DNA position 1802, G replaced by A.
Molecular consequence: splice donor variant.
Genome position (GRCh38, 1-based): chr11:108,252,032, G>A. VCF-style: chr11-108252032-G-A. GRCh37 (hg19) VCF-style: chr11-108122759-G-A.
Other names: c.1802+1G>A (NM_001351834.2).
Identifiers: ClinVar variation 3002661 (VCV003002661.3), dbSNP rs2135344665, ClinGen allele CA382535605.

ClinVar aggregate classification (germline): Pathogenic (1 of 4 stars; one submission).

Conditions:
Ataxia-telangiectasia syndrome (AT). Also called: LOUIS-BAR SYNDROME; Cerebello-oculocutaneous telangiectasia; Immunodeficiency with ataxia telangiectasia; Ataxia-telangiectasia, complementation group D; Ataxia-telangiectasia, complementation group E; Ataxia telangiectasia (A-T). Identifiers: Orphanet 100, MedGen C0004135, MONDO:0008840, OMIM 208900.

Allele frequency attached by ClinVar (database versions not stated): gnomAD exomes below 0.00001.
gnomAD v4.1: 1 of 1,610,644 alleles (0.000062%); highest among the groups gnomAD compares: Admixed American, 0.0017%; no homozygotes.

Submission:

Labcorp Genetics (formerly Invitae), Labcorp
Classification: Pathogenic for Ataxia-telangiectasia syndrome. Last evaluated: 2024-11-11. Review status: criteria provided, single submitter. Criteria: Invitae Variant Classification Sherloc (09022015). Collection method: clinical testing. Allele origin: germline.
Comment: This sequence change affects a donor splice site in intron 11 of the ATM gene. It is expected to disrupt RNA splicing. Variants that disrupt the donor or acceptor splice site typically lead to a loss of protein function (PMID: 16199547), and loss-of-function variants in ATM are known to be pathogenic (PMID: 23807571, 25614872). This variant is not present in population databases (gnomAD no frequency). Disruption of this splice site has been observed in individual(s) with clinical features of ataxia-telangiectasia and/or lung cancer, renal cell carcinoma, and non-Hodgkin lymphoma (PMID: 35418818; internal data). ClinVar contains an entry for this variant (Variation ID: 3002661). Algorithms developed to predict the effect of sequence changes on RNA splicing suggest that this variant may disrupt the consensus splice site. For these reasons, this variant has been classified as Pathogenic.

Literature cited by the submitters: PubMed 16199547; PubMed 23807571; PubMed 25614872; PubMed 35418818.